The following is an entry in ClinVar:

ClinVar aggregate classification (germline): Uncertain significance (1 of 4 stars; one submission).

Conditions:
Neuroblastoma, susceptibility to, 3. Also called: ALK-Related Neuroblastic Tumor Susceptibility. Identifiers: Orphanet 635, MedGen C2751681, MONDO:0013083, OMIM 613014.

Allele frequency attached by ClinVar (database versions not stated): TOPMed 0.00001.

Submission:

Labcorp Genetics (formerly Invitae), Labcorp
Classification: Uncertain significance for Neuroblastoma, susceptibility to, 3. Last evaluated: 2022-03-21. Review status: criteria provided, single submitter. Criteria: Invitae Variant Classification Sherloc (09022015). Collection method: clinical testing. Allele origin: germline.
Comment: In summary, the available evidence is currently insufficient to determine the role of this variant in disease. Therefore, it has been classified as a Variant of Uncertain Significance. Algorithms developed to predict the effect of missense changes on protein structure and function (SIFT, PolyPhen-2, Align-GVGD) all suggest that this variant is likely to be disruptive. This variant has not been reported in the literature in individuals affected with ALK-related conditions. This variant is not present in population databases (gnomAD no frequency). This sequence change replaces leucine, which is neutral and non-polar, with valine, which is neutral and non-polar, at codon 1556 of the ALK protein (p.Leu1556Val).

NM_004304.5(ALK):c.4666C>G (p.Leu1556Val)

Gene: ALK (ALK receptor tyrosine kinase; minus strand). Cytogenetic location: 2p23.2.
Variant type: single nucleotide variant.
Coding change: c.4666C>G on transcript NM_004304.5 (MANE Select); coding-DNA position 4666, C replaced by G.
Protein change: p.Leu1556Val; replaces leucine 1556 with valine.
Molecular consequence: missense variant.
Genome position (GRCh38, 1-based): chr2:29,193,421, G>C on the plus strand (C>G on the coding strand, the complement: ALK is on the minus strand). VCF-style: chr2-29193421-G-C. GRCh37 (hg19) VCF-style: chr2-29416287-G-C.
Other names: c.1462C>G, p.Leu488Val (NM_001353765.2); short protein forms L1556V, L488V.
Identifiers: ClinVar variation 1971591 (VCV001971591.5), dbSNP rs1214400523, ClinGen allele CA346460498.